The following is an entry in ClinVar:

NM_005502.4(ABCA1):c.-26A>C

Gene: ABCA1 (ATP binding cassette subfamily A member 1; minus strand). Cytogenetic location: 9q31.1.
Variant type: single nucleotide variant.
Coding change: c.-26A>C on transcript NM_005502.4 (MANE Select); 26 bases upstream of the start codon, A replaced by C.
Molecular consequence: 5 prime UTR variant.
Genome position (GRCh38, 1-based): chr9:104,903,705, T>G on the plus strand (A>C on the coding strand, the complement: ABCA1 is on the minus strand). VCF-style: chr9-104903705-T-G. GRCh37 (hg19) VCF-style: chr9-107665986-T-G.
Identifiers: ClinVar variation 364469 (VCV000364469.5), dbSNP rs199976989, ClinGen allele CA5169530.

ClinVar aggregate classification (germline): Conflicting classifications of pathogenicity. Review status: criteria provided, conflicting classifications (1 of 4 stars). 2 submissions from 1 submitter: Uncertain significance (1); Likely benign (1). Last evaluated 2018-01-13.

Conditions:
Hypoalphalipoproteinemia, primary, 1. Identifiers: Orphanet 425, MedGen C5231558, MONDO:0011393, OMIM 604091.
Tangier disease (TGD). Also called: HIGH DENSITY LIPOPROTEIN DEFICIENCY, TANGIER TYPE; HIGH DENSITY LIPOPROTEIN DEFICIENCY, TYPE 1; Cholesterol thesaurismosis. Identifiers: Orphanet 31150, MedGen C0039292, MONDO:0008783, OMIM 205400.

Allele frequency attached by ClinVar (database versions not stated): gnomAD 0.00003; ESP Exome Variant Server 0.00008; gnomAD exomes 0.00012 and 0.00024; ExAC 0.00013; TOPMed 0.00015; 1000 Genomes Project 30x 0.00016; 1000 Genomes Project 0.00020.
gnomAD v4.1: 354 of 1,565,972 alleles (0.023%); highest among the groups gnomAD compares: Non-Finnish European, 0.029%; no homozygotes.

Submissions (2):

Illumina Laboratory Services, Illumina
Classification: Uncertain significance for Tangier disease. Last evaluated: 2018-01-13. Review status: criteria provided, single submitter. Criteria: ICSL Variant Classification Criteria 13 December 2019. Collection method: clinical testing. Allele origin: germline.

Illumina Laboratory Services, Illumina
Classification: Likely benign for Hypoalphalipoproteinemia, primary, 1. Last evaluated: 2018-01-13. Review status: criteria provided, single submitter. Criteria: ICSL Variant Classification Criteria 13 December 2019. Collection method: clinical testing. Allele origin: germline.
Comment: This variant was observed in the ICSL laboratory as part of a predisposition screen in an ostensibly healthy population. It had not been previously curated by ICSL or reported in the Human Gene Mutation Database (HGMD: prior to June 1st, 2018), and was therefore a candidate for classification through an automated scoring system. Utilizing variant allele frequency, disease prevalence and penetrance estimates, and inheritance mode, an automated score was calculated to assess if this variant is too frequent to cause the disease. Based on the score and internal cut-off values, a variant classified as likely benign is not then subjected to further curation. The score for this variant resulted in a classification of likely benign for this disease.